The following is an entry in ClinVar:

ClinVar aggregate classification (germline): Uncertain significance (1 of 4 stars; one submission).

gnomAD v4.1: 1 of 1,613,448 alleles (0.000062%); highest among the groups gnomAD compares: Non-Finnish European, 0.000085%; no homozygotes.

Submission:

Dasa
Classification: Uncertain significance. Last evaluated: 2024-08-21. Review status: criteria provided, single submitter. Criteria: DASA Assertion Criteria. Collection method: clinical testing. Allele origin: germline.
Comment: NM_001083619.3(GRIA2):c.2461G>T (p.Val821Phe) is a missense variant that results in the substitution of valine with phenylalanine. This variant is rare in population databases. The currently available literature and clinical evidence are not sufficient to establish a definitive association between this variant and the reported condition. Therefore, this variant is classified as a variant of uncertain significance.

NM_001083619.3(GRIA2):c.2461G>T (p.Val821Phe)

Gene: GRIA2 (glutamate ionotropic receptor AMPA type subunit 2; plus strand). Cytogenetic location: 4q32.1.
Variant type: single nucleotide variant.
Coding change: c.2461G>T on transcript NM_001083619.3 (MANE Select); coding-DNA position 2461, G replaced by T.
Protein change: p.Val821Phe; replaces valine 821 with phenylalanine.
Molecular consequence: missense variant.
Genome position (GRCh38, 1-based): chr4:157,362,853, G>T. VCF-style: chr4-157362853-G-T. GRCh37 (hg19) VCF-style: chr4-158284005-G-T.
Other names: c.2461G>T, p.Val821Phe (NM_000826.6); c.2320G>T, p.Val774Phe (NM_001083620.3, NM_001379000.3, NM_001379001.3); short protein forms V774F, V821F.
Identifiers: ClinVar variation 4880951 (VCV004880951.2).